The following is an entry in ClinVar:

ClinVar aggregate classification (germline): Likely benign. Review status: criteria provided, multiple submitters, no conflicts (2 of 4 stars). 4 submissions from 4 submitters: Likely benign (3). 1 of the submissions does not count toward it. Last evaluated 2025-09-05.

Conditions:
TGFB2-related disorder. Also called: TGFB2-related condition.
Familial thoracic aortic aneurysm and aortic dissection (TAAD). Also called: Thoracic aortic aneurysms and dissections. Identifiers: Orphanet 91387, MedGen C4707243, MONDO:0019625.
Loeys-Dietz syndrome 4 (LDS4). Also called: TGFB2-Related Loeys-Dietz Syndrome; ANEURYSM, AORTIC AND CEREBRAL, WITH ARTERIAL TORTUOSITY AND SKELETAL MANIFESTATIONS. Identifiers: MedGen C3553762, MONDO:0013897, OMIM 614816.

Allele frequency attached by ClinVar (database versions not stated): ExAC 0.00001; gnomAD 0.00001; gnomAD exomes 0.00002; 1000 Genomes Project 0.00020; 1000 Genomes Project 30x 0.00031.
gnomAD v4.1: 27 of 1,594,810 alleles (0.0017%); highest among the groups gnomAD compares: Middle Eastern, 0.017%; no homozygotes.

Submissions (4):

Labcorp Genetics (formerly Invitae), Labcorp
Classification: Likely benign for Loeys-Dietz syndrome 4. Last evaluated: 2025-09-05. Review status: criteria provided, single submitter. Criteria: Invitae Variant Classification Sherloc (09022015). Collection method: clinical testing. Allele origin: germline.

Ambry Genetics
Classification: Likely benign for Familial thoracic aortic aneurysm and aortic dissection. Last evaluated: 2021-04-28. Review status: criteria provided, single submitter. Criteria: Ambry Variant Classification Scheme 2023. Collection method: clinical testing. Allele origin: germline.

GeneDx
Classification: Likely benign. Last evaluated: 2020-11-09. Review status: criteria provided, single submitter. Criteria: GeneDx Variant Classification Process June 2021. Collection method: clinical testing. Allele origin: germline. Affected: yes.

PreventionGenetics, part of Exact Sciences
Classification: Likely benign for TGFB2-related condition. Last evaluated: 2019-05-08. Review status: no assertion criteria provided. Collection method: clinical testing. Allele origin: germline. Not counted in ClinVar's aggregate classification.
Comment: This variant is classified as likely benign based on ACMG/AMP sequence variant interpretation guidelines (Richards et al. 2015 PMID: 25741868, with internal and published modifications).

NM_003238.6(TGFB2):c.942G>A (p.Gln314=)

Gene: TGFB2 (transforming growth factor beta 2; plus strand). Cytogenetic location: 1q41.
Variant type: single nucleotide variant.
Coding change: c.942G>A on transcript NM_003238.6 (MANE Select); coding-DNA position 942, G replaced by A.
Protein change: p.Gln314=; no amino-acid change (glutamine 314 retained).
Molecular consequence: synonymous variant. On other transcripts: non-coding transcript variant (2).
Genome position (GRCh38, 1-based): chr1:218,437,352, G>A. VCF-style: chr1-218437352-G-A. GRCh37 (hg19) VCF-style: chr1-218610694-G-A.
Other names: c.942G>A (NM_003238.4); c.1026G>A, p.Gln342= (NM_001135599.4).
Identifiers: ClinVar variation 506983 (VCV000506983.16), dbSNP rs188801474, ClinGen allele CA1398651.
Genomic context (GRCh38, chr1:218,437,352, plus strand): 5'-TGGTGAATCAGCTTTAAAATCTCCATTGCTTTTTTTTTTTTTTTTTAACAGAAATGTGCA[G>A]GATAATTGCTGCCTACGTCCACTTTACATTGATTTCAAGAGGGATCTAGGGTGGAAATGG-3'
Protein context (NP_003229.1, residues 304-324): LDAAYCFRNV[Gln314=]DNCCLRPLYI